The following is an entry in ClinVar:

ClinVar aggregate classification (germline): Uncertain significance (1 of 4 stars; one submission).

Conditions:
Progressive sclerosing poliodystrophy (MTDPS4A). Also called: Mitochondrial DNA depletion syndrome 4A (Alpers type); ALPERS PROGRESSIVE INFANTILE POLIODYSTROPHY; NEURONAL DEGENERATION OF CHILDHOOD WITH LIVER DISEASE, PROGRESSIVE; Mitochondrial DNA Depletion Syndrome 4A; Alpers-Huttenlocher Syndrome (AHS); Alpers Syndrome. Identifiers: Orphanet 726, MedGen C0205710, MONDO:0008758, OMIM 203700.

gnomAD v4.1: 1 of 1,614,060 alleles (0.000062%); highest among the groups gnomAD compares: Non-Finnish European, 0.000085%; no homozygotes.

Submission:

Labcorp Genetics (formerly Invitae), Labcorp
Classification: Uncertain significance for Progressive sclerosing poliodystrophy. Last evaluated: 2021-10-20. Review status: criteria provided, single submitter. Criteria: Invitae Variant Classification Sherloc (09022015). Collection method: clinical testing. Allele origin: germline.
Comment: This sequence change replaces alanine, which is neutral and non-polar, with valine, which is neutral and non-polar, at codon 710 of the POLG protein (p.Ala710Val). In summary, the available evidence is currently insufficient to determine the role of this variant in disease. Therefore, it has been classified as a Variant of Uncertain Significance. Algorithms developed to predict the effect of missense changes on protein structure and function output the following: SIFT: "Tolerated"; PolyPhen-2: "Benign"; Align-GVGD: "Class C0". The valine amino acid residue is found in multiple mammalian species, which suggests that this missense change does not adversely affect protein function. This variant has not been reported in the literature in individuals affected with POLG-related conditions. This variant is not present in population databases (gnomAD no frequency).

NM_002693.3(POLG):c.2129C>T (p.Ala710Val)

Gene: POLG (DNA polymerase gamma, catalytic subunit; minus strand). Cytogenetic location: 15q26.1.
Variant type: single nucleotide variant.
Coding change: c.2129C>T on transcript NM_002693.3 (MANE Select); coding-DNA position 2129, C replaced by T.
Protein change: p.Ala710Val; replaces alanine 710 with valine.
Molecular consequence: missense variant.
Genome position (GRCh38, 1-based): chr15:89,323,843, G>A on the plus strand (C>T on the coding strand, the complement: POLG is on the minus strand). VCF-style: chr15-89323843-G-A. GRCh37 (hg19) VCF-style: chr15-89867074-G-A.
Other names: c.2129C>T, p.Ala710Val (NM_001126131.2); short protein forms A710V.
Identifiers: ClinVar variation 1388047 (VCV001388047.6), dbSNP rs2152063179, ClinGen allele CA393757103.